The following is an entry in ClinVar:

ClinVar aggregate classification (germline): Uncertain significance. Review status: criteria provided, single submitter (1 of 4 stars). 2 submissions from 2 submitters: Uncertain significance (1). 1 of the submissions does not count toward it. Last evaluated 2021-08-20.

Conditions:
Microcephaly, epilepsy, and diabetes syndrome 1 (MEDS1). Identifiers: MedGen CN305347, MONDO:0031481, OMIM 614231.
Microcephaly, epilepsy, and diabetes syndrome. Identifiers: Orphanet 306558, MedGen C3280240, MONDO:0100328.

Submissions (2):

Labcorp Genetics (formerly Invitae), Labcorp
Classification: Uncertain significance for Microcephaly, epilepsy, and diabetes syndrome. Last evaluated: 2021-08-20. Review status: criteria provided, single submitter. Criteria: Invitae Variant Classification Sherloc (09022015). Collection method: clinical testing. Allele origin: germline.
Comment: This sequence change creates a premature translational stop signal (p.Phe27Serfs*26) in the IER3IP1 gene. While this is not anticipated to result in nonsense mediated decay, it is expected to disrupt the last 56 amino acid(s) of the IER3IP1 protein. This variant is not present in population databases (ExAC no frequency). This premature translational stop signal has been observed in individual(s) with microcephaly, epilepsy, and diabetes syndrome (PMID: 24138066). This variant is also known as p.Phe27fsSer*25. ClinVar contains an entry for this variant (Variation ID: 208459). In summary, the available evidence is currently insufficient to determine the role of this variant in disease. Therefore, it has been classified as a Variant of Uncertain Significance.

OMIM
Classification: Pathogenic for MICROCEPHALY, EPILEPSY, AND DIABETES SYNDROME 1. Last evaluated: 2014-05-01. Review status: no assertion criteria provided. Collection method: literature only. Allele origin: germline. Not counted in ClinVar's aggregate classification.

Literature cited by the submitters: PubMed 24138066 (cited by Labcorp Genetics (formerly Invitae), Labcorp and OMIM).

NM_016097.5(IER3IP1):c.80del (p.Phe27fs)

Gene: IER3IP1 (immediate early response 3 interacting protein 1; minus strand). Cytogenetic location: 18q21.1.
Variant type: Deletion.
Coding change: c.80del on transcript NM_016097.5 (MANE Select); coding-DNA position 80, one base deleted (T; older notation c.80delT).
Protein change: p.Phe27fs; shifts the reading frame from phenylalanine 27.
Molecular consequence: frameshift variant.
Genome position (GRCh38, 1-based): chr18:47,176,198, A deleted on the plus strand (T on the coding strand, the reverse complement: IER3IP1 is on the minus strand); the first of 2 consecutive A bases (chr18:47,176,198-47,176,199); deleting either gives the same sequence. VCF-style (leftmost placement, unchanged base first): chr18-47176197-GA-G. GRCh37 (hg19) VCF-style: chr18-44702568-GA-G.
Other names: short protein forms F27fs.
Identifiers: ClinVar variation 208459 (VCV000208459.10), dbSNP rs863223399, ClinGen allele CA278918.